The following is an entry in ClinVar:

NM_001303256.3(MORC2):c.956G>A (p.Arg319His)

Gene: MORC2 (MORC family CW-type zinc finger 2; minus strand). Cytogenetic location: 22q12.2.
Variant type: single nucleotide variant.
Coding change: c.956G>A on transcript NM_001303256.3 (MANE Select); coding-DNA position 956, G replaced by A.
Protein change: p.Arg319His; replaces arginine 319 with histidine.
Molecular consequence: missense variant.
Genome position (GRCh38, 1-based): chr22:30,939,990, C>T on the plus strand (G>A on the coding strand, the complement: MORC2 is on the minus strand). VCF-style: chr22-30939990-C-T. GRCh37 (hg19) VCF-style: chr22-31335977-C-T.
Other names: c.956G>A, p.Arg319His (NM_001303257.2); c.770G>A, p.Arg257His (NM_014941.3); c.956G>A (NM_001303256.2); short protein forms R257H, R319H.
Identifiers: ClinVar variation 549672 (VCV000549672.3), dbSNP rs1163530787, ClinGen allele CA411240293.

ClinVar aggregate classification (germline): Uncertain significance. Review status: criteria provided, multiple submitters, no conflicts (2 of 4 stars). 3 submissions from 3 submitters: Uncertain significance (2). 1 of the submissions does not count toward it. Last evaluated 2023-09-01.

Conditions:
Charcot-Marie-Tooth disease axonal type 2Z. Also called: CHARCOT-MARIE-TOOTH DISEASE, AXONAL, AUTOSOMAL DOMINANT, TYPE 2Z; CHARCOT-MARIE-TOOTH NEUROPATHY, TYPE 2Z. Identifiers: Orphanet 466768, MedGen C5569025, MONDO:0014736, OMIM 616688.
MORC2-related disorder. Also called: MORC2-related condition.

Allele frequency attached by ClinVar (database versions not stated): gnomAD 0.00001; TOPMed 0.00001.
gnomAD v4.1: 7 of 1,613,910 alleles (0.00043%); highest among the groups gnomAD compares: South Asian, 0.0033%; no homozygotes.

Submissions (3):

PreventionGenetics, part of Exact Sciences
Classification: Uncertain significance for MORC2-related condition. Last evaluated: 2023-09-01. Review status: criteria provided, single submitter. Criteria: ACMG Guidelines, 2015. Collection method: clinical testing. Allele origin: germline.
Comment: The MORC2 c.956G>A variant is predicted to result in the amino acid substitution p.Arg319His. This variant was reported in an individual with adult-onset spinal muscular atrophy (Karakaya et al. 2018. PubMed ID: 29858556). This variant has not been reported in a large population database, indicating this variant is rare. An alternate nucleotide change at the same amino acid (p.Arg319Cys), has been reported in an individual with Charcot-Marie-Tooth disease (Siveraet al. 2021. PubMed ID: 34189813). At this time, the clinical significance of this variant is uncertain due to the absence of conclusive functional and genetic evidence.

Victorian Clinical Genetics Services, Murdoch Childrens Research Institute
Classification: Uncertain significance for Charcot-Marie-Tooth disease axonal type 2Z. Last evaluated: 2022-06-24. Review status: criteria provided, single submitter. Criteria: ACMG Guidelines, 2015. Collection method: clinical testing. Allele origin: germline. Inheritance: Autosomal dominant inheritance.
Comment: Based on the classification scheme VCGS_Germline_v1.3.4, this variant is classified as VUS-3C. Following criteria are met: 0105 - The mechanism of disease for this gene is not clearly established, however multiple studies have reported variable dysregulation of ATPase activity, MORC2 protein dimerisation, and/or regulatory functions. Variants displaying more significant biochemical changes tend to be associated with more severe clinical presentations (PMIDs: 28581500, 29440755, 30624633, 32693025, 34059105). (I) 0107 - This gene is associated with autosomal dominant disease. (I) 0115 - Variants in this gene are known to have variable expressivity. Clinical heterogeneity has been observed in affected individuals, ranging from adult-onset neuropathies to congenital complex multisystem disorders (OMIM, PMID: 34059105). (I) 0200 - Variant is predicted to result in a missense amino acid change from arginine to histidine. (I) 0251 - This variant is heterozygous. (I) 0302 - Variant is present in gnomAD (v3) <0.001 for a dominant condition (1 heterozygote, 0 homozygotes). (SP) 0309 - An alternative amino acid change at the same position has been observed in gnomAD (v2) (2 heterozygotes, 0 homozygotes). (I) 0502 - Missense variant with conflicting in silico predictions and uninformative conservation. (I) 0600 - Variant is located in the annotated coiled-coil insertion domain (PMID: 34189813). (I) 0705 - No comparable missense variants have previous evidence for pathogenicity. A non-comparable missense variant, p.(Arg319Cys) has been reported as pathogenic in an adult with sensory-motor length dependent polyneuropathy phenotype (PMID: 34189813). Based on the Grantham scores, the arginine to cysteine substitution is a major change while the arginine to histidine substitution is a minor change. (I) 0803 - This variant has limited previous evidence of pathogenicity in an unrelated individual. It has been reported as likely pathogenic in an individual with adult onset spinal muscular atrophy (PMID: 29858556, ClinVar). (SP) 0904 - Non-segregation of this variant with the phenotype under investigation has been demonstrated. (SB) 1007 - No published functional evidence has been identified for this variant. (I) Legend: (SP) - Supporting pathogenic, (I) - Information, (SB) - Supporting benign

Institute of Human Genetics, Cologne University
Classification: Likely pathogenic for Charcot-Marie-Tooth disease axonal type 2Z. Last evaluated: 2018-04-25. Review status: no assertion criteria provided. Collection method: clinical testing. Allele origin: unknown. Affected: yes. Not counted in ClinVar's aggregate classification.

Literature cited by the submitters: PubMed 28581500 (cited by Victorian Clinical Genetics Services, Murdoch Childrens Research Institute); PubMed 29440755 (cited by Victorian Clinical Genetics Services, Murdoch Childrens Research Institute); PubMed 29858556 (cited by Victorian Clinical Genetics Services, Murdoch Childrens Research Institute); PubMed 30624633 (cited by Victorian Clinical Genetics Services, Murdoch Childrens Research Institute); PubMed 32693025 (cited by Victorian Clinical Genetics Services, Murdoch Childrens Research Institute); PubMed 34059105 (cited by Victorian Clinical Genetics Services, Murdoch Childrens Research Institute); PubMed 34189813 (cited by Victorian Clinical Genetics Services, Murdoch Childrens Research Institute).